The following is an entry in ClinVar:

NM_005732.4(RAD50):c.688A>C (p.Lys230Gln)

Gene: RAD50 (RAD50 double strand break repair protein; plus strand). Cytogenetic location: 5q31.1.
Variant type: single nucleotide variant.
Coding change: c.688A>C on transcript NM_005732.4 (MANE Select); coding-DNA position 688, A replaced by C.
Protein change: p.Lys230Gln; replaces lysine 230 with glutamine.
Molecular consequence: missense variant.
Genome position (GRCh38, 1-based): chr5:132,579,998, A>C. VCF-style: chr5-132579998-A-C. GRCh37 (hg19) VCF-style: chr5-131915690-A-C.
Other names: short protein forms K230Q.
Identifiers: ClinVar variation 480432 (VCV000480432.16), dbSNP rs1554097824, ClinGen allele CA360936534.

ClinVar aggregate classification (germline): Uncertain significance. Review status: criteria provided, multiple submitters, no conflicts (2 of 4 stars). 2 submissions from 2 submitters: Uncertain significance (2). Last evaluated 2025-08-28.

Conditions:
Hereditary cancer-predisposing syndrome. Also called: Hereditary Cancer Syndrome; Neoplastic Syndromes, Hereditary; Tumor predisposition; Hereditary neoplastic syndrome. Identifiers: Orphanet 140162, MedGen C0027672, MeSH D009386, MONDO:0015356.

Allele frequency attached by ClinVar (database versions not stated): gnomAD exomes below 0.00001.
gnomAD v4.1: 2 of 1,613,290 alleles (0.00012%); highest among the groups gnomAD compares: Non-Finnish European, 0.00017%; no homozygotes.

Submissions (2):

Ambry Genetics
Classification: Uncertain significance for Hereditary cancer-predisposing syndrome. Last evaluated: 2025-08-28. Review status: criteria provided, single submitter. Criteria: Ambry Variant Classification Scheme 2023. Collection method: clinical testing. Allele origin: germline.
Comment: The p.K230Q variant (also known as c.688A>C), located in coding exon 5 of the RAD50 gene, results from an A to C substitution at nucleotide position 688. The lysine at codon 230 is replaced by glutamine, an amino acid with similar properties. This variant was not reported in population based cohorts in the following databases: Database of Single Nucleotide Polymorphisms (dbSNP), NHLBI Exome Sequencing Project (ESP), and 1000 Genomes Project. In the ESP, this variant was not observed in 6503 samples (13006 alleles) with coverage at this position. To date, this alteration has been detected with an allele frequency of approximately 0.001% (greater than 120000 alleles tested) in our clinical cohort. This amino acid position is well conserved in available vertebrate species. Using the BDGP and ESEfinder splice site prediction tools, this alteration is predicted to abolish the native splice donor site; however, direct evidence is unavailable. In addition, this alteration is predicted to be tolerated by in silico analysis. Since supporting evidence is limited at this time, the clinical significance of this alteration remains unclear.

Labcorp Genetics (formerly Invitae), Labcorp
Classification: Uncertain significance for Hereditary cancer-predisposing syndrome. Last evaluated: 2024-03-07. Review status: criteria provided, single submitter. Criteria: Invitae Variant Classification Sherloc (09022015). Collection method: clinical testing. Allele origin: germline.
Comment: This sequence change replaces lysine, which is basic and polar, with glutamine, which is neutral and polar, at codon 230 of the RAD50 protein (p.Lys230Gln). This variant is not present in population databases (gnomAD no frequency). This variant has not been reported in the literature in individuals affected with RAD50-related conditions. ClinVar contains an entry for this variant (Variation ID: 480432). Advanced modeling of protein sequence and biophysical properties (such as structural, functional, and spatial information, amino acid conservation, physicochemical variation, residue mobility, and thermodynamic stability) performed at Invitae indicates that this missense variant is not expected to disrupt RAD50 protein function with a negative predictive value of 80%. In summary, the available evidence is currently insufficient to determine the role of this variant in disease. Therefore, it has been classified as a Variant of Uncertain Significance.